The following is an entry in ClinVar:

NM_004260.4(RECQL4):c.2774G>A (p.Cys925Tyr)

Gene: RECQL4 (RecQ like helicase 4; minus strand). Cytogenetic location: 8q24.3.
Variant type: single nucleotide variant.
Coding change: c.2774G>A on transcript NM_004260.4 (MANE Select); coding-DNA position 2774, G replaced by A.
Protein change: p.Cys925Tyr; replaces cysteine 925 with tyrosine.
Molecular consequence: missense variant.
Genome position (GRCh38, 1-based): chr8:144,512,753, C>T on the plus strand (G>A on the coding strand, the complement: RECQL4 is on the minus strand). VCF-style: chr8-144512753-C-T. GRCh37 (hg19) VCF-style: chr8-145738136-C-T.
Other names: short protein forms C925Y.
Identifiers: ClinVar variation 646279 (VCV000646279.7), dbSNP rs1358613276, ClinGen allele CA372674522.

ClinVar aggregate classification (germline): Uncertain significance. Review status: criteria provided, multiple submitters, no conflicts (2 of 4 stars). 2 submissions from 2 submitters: Uncertain significance (2). Last evaluated 2024-06-19.

Conditions:
Baller-Gerold syndrome (BGS). Also called: CRANIOSYNOSTOSIS WITH RADIAL DEFECTS. Identifiers: Orphanet 1225, MedGen C0265308, MONDO:0009039, OMIM 218600.
Hereditary cancer-predisposing syndrome. Also called: Neoplastic Syndromes, Hereditary; Hereditary Cancer Syndrome; Hereditary neoplastic syndrome; Tumor predisposition. Identifiers: Orphanet 140162, MedGen C0027672, MeSH D009386, MONDO:0015356.

Allele frequency attached by ClinVar (database versions not stated): gnomAD exomes below 0.00001; gnomAD 0.00001; TOPMed 0.00001.

Submissions (2):

Labcorp Genetics (formerly Invitae), Labcorp
Classification: Uncertain significance for Baller-Gerold syndrome. Last evaluated: 2024-06-19. Review status: criteria provided, single submitter. Criteria: Invitae Variant Classification Sherloc (09022015). Collection method: clinical testing. Allele origin: germline.
Comment: This sequence change replaces cysteine, which is neutral and slightly polar, with tyrosine, which is neutral and polar, at codon 925 of the RECQL4 protein (p.Cys925Tyr). This variant is not present in population databases (gnomAD no frequency). This variant has not been reported in the literature in individuals affected with RECQL4-related conditions. ClinVar contains an entry for this variant (Variation ID: 646279). Advanced modeling of protein sequence and biophysical properties (such as structural, functional, and spatial information, amino acid conservation, physicochemical variation, residue mobility, and thermodynamic stability) performed at Invitae indicates that this missense variant is expected to disrupt RECQL4 protein function with a positive predictive value of 80%. In summary, the available evidence is currently insufficient to determine the role of this variant in disease. Therefore, it has been classified as a Variant of Uncertain Significance.

Sema4
Classification: Uncertain significance for Hereditary cancer-predisposing syndrome. Last evaluated: 2021-11-09. Review status: criteria provided, single submitter. Criteria: Sema4 Curation Guidelines. Collection method: curation. Allele origin: germline.
Comment: The RECQL4 c.2774G>A (p.C925Y) variant has not been reported in the literature to our knowledge. It was not observed in the large and broad cohorts of the Genome Aggregation Database (PMID: 32461654). The variant has been reported in ClinVar (Variation ID 646279). In silico tools suggest the impact of the variant on protein function is deleterious, though these predictions have not been confirmed by functional studies. The evidence is insufficient to meet ACMG/AMP criteria for classifying the variant as benign or pathogenic. Thus, the clinical significance of this variant is currently uncertain.